The following is an entry in ClinVar:

NM_015021.3(ZNF292):c.5270A>C (p.Lys1757Thr)

Gene: ZNF292 (zinc finger protein 292; plus strand). Cytogenetic location: 6q14.3.
Variant type: single nucleotide variant.
Coding change: c.5270A>C on transcript NM_015021.3 (MANE Select); coding-DNA position 5270, A replaced by C.
Protein change: p.Lys1757Thr; replaces lysine 1757 with threonine.
Molecular consequence: missense variant.
Genome position (GRCh38, 1-based): chr6:87,258,899, A>C. VCF-style: chr6-87258899-A-C. GRCh37 (hg19) VCF-style: chr6-87968617-A-C.
Other names: c.4850A>C, p.Lys1617Thr (NM_001351444.2); short protein forms K1617T, K1757T.
Identifiers: ClinVar variation 1708942 (VCV001708942.2), dbSNP rs2482339935, ClinGen allele CA364931974.

ClinVar aggregate classification (germline): Uncertain significance (1 of 4 stars; one submission).

Submission:

GeneDx
Classification: Uncertain significance. Last evaluated: 2022-04-07. Review status: criteria provided, single submitter. Criteria: GeneDx Variant Classification Process June 2021. Collection method: clinical testing. Allele origin: germline. Affected: yes.
Comment: Not observed at significant frequency in large population cohorts (gnomAD); In silico analysis supports that this missense variant does not alter protein structure/function; Has not been previously published as pathogenic or benign to our knowledge